The following is an entry in ClinVar:

ClinVar aggregate classification (germline): Pathogenic/Likely pathogenic. Review status: criteria provided, multiple submitters, no conflicts (2 of 4 stars). 3 submissions from 3 submitters: Pathogenic (2); Likely pathogenic (1). Last evaluated 2025-04-21.

Conditions:
Joubert syndrome 23 (JBTS23). Identifiers: Orphanet 475, MedGen C4084822, MONDO:0014664, OMIM 616490.
KIAA0586-related disorder. Also called: KIAA0586- Related disorders; KIAA0586-related condition.
Short-rib thoracic dysplasia 14 with polydactyly (SRTD14). Identifiers: Orphanet 397715, MedGen C4225286, MONDO:0014688, OMIM 616546.

Allele frequency attached by ClinVar (database versions not stated): gnomAD exomes below 0.00001 and 0.00001; ExAC 0.00001; gnomAD 0.00002; TOPMed 0.00004; ESP Exome Variant Server 0.00008.
gnomAD v4.1: 4 of 1,613,768 alleles (0.00025%); highest among the groups gnomAD compares: African/African-American, 0.0053%; no homozygotes.

Submissions (3):

Labcorp Genetics (formerly Invitae), Labcorp
Classification: Pathogenic for Joubert syndrome 23; Short-rib thoracic dysplasia 14 with polydactyly. Last evaluated: 2025-04-21. Review status: criteria provided, single submitter. Criteria: Invitae Variant Classification Sherloc (09022015). Collection method: clinical testing. Allele origin: germline.
Comment: This sequence change creates a premature translational stop signal (p.Gln1247*) in the KIAA0586 gene. It is expected to result in an absent or disrupted protein product. Loss-of-function variants in KIAA0586 are known to be pathogenic (PMID: 26096313, 26166481, 26386044). This variant is present in population databases (rs373763986, gnomAD 0.01%). This variant has not been reported in the literature in individuals affected with KIAA0586-related conditions. ClinVar contains an entry for this variant (Variation ID: 1456969). For these reasons, this variant has been classified as Pathogenic.

Genomic Medicine Center of Excellence, King Faisal Specialist Hospital and Research Centre
Classification: Pathogenic for Joubert syndrome 23. Last evaluated: 2024-04-04. Review status: criteria provided, single submitter. Criteria: ACMG Guidelines, 2015. Collection method: clinical testing. Allele origin: germline.

Blueprint Genetics
Classification: Likely pathogenic for KIAA0586-related disorders. Last evaluated: 2022-08-18. Review status: criteria provided, single submitter. Criteria: ACMG Guidelines, 2015. Collection method: clinical testing. Allele origin: germline. Affected: yes. Observed: 3 variant alleles.

Literature cited by the submitters: PubMed 26096313 (cited by Labcorp Genetics (formerly Invitae), Labcorp); PubMed 26166481 (cited by Labcorp Genetics (formerly Invitae), Labcorp); PubMed 26386044 (cited by Labcorp Genetics (formerly Invitae), Labcorp).

NM_001329943.3(KIAA0586):c.3580C>T (p.Gln1194Ter)

Gene: KIAA0586 (KIAA0586; plus strand). Cytogenetic location: 14q23.1.
Variant type: single nucleotide variant.
Coding change: c.3580C>T on transcript NM_001329943.3 (MANE Select); coding-DNA position 3580, C replaced by T.
Protein change: p.Gln1194Ter; replaces glutamine 1194 with a stop codon.
Molecular consequence: nonsense.
Genome position (GRCh38, 1-based): chr14:58,488,673, C>T. VCF-style: chr14-58488673-C-T. GRCh37 (hg19) VCF-style: chr14-58955391-C-T.
Other names: c.3739C>T, p.Gln1247Ter (NM_001244189.2); c.3535C>T, p.Gln1179Ter (NM_001244190.2); c.3325C>T, p.Gln1109Ter (NM_001244191.2, NM_001329945.2, NM_001364700.1 and 1 more transcripts); c.3448C>T, p.Gln1150Ter (NM_001244192.2); c.3160C>T, p.Gln1054Ter (NM_001244193.2); c.3580C>T, p.Gln1194Ter (NM_001329944.2, NM_001329946.2, NM_001329947.2); c.3352C>T, p.Gln1118Ter (NM_014749.5); short protein forms Q1109*, Q1247*, Q1054*, Q1150*, Q1194*, Q1118*, Q1179*.
Identifiers: ClinVar variation 1456969 (VCV001456969.8), dbSNP rs373763986, ClinGen allele CA7206207.